The following is an entry in ClinVar:

NM_000492.4(CFTR):c.2752A>G (p.Ile918Val)

Gene: CFTR (CF transmembrane conductance regulator; plus strand). Cytogenetic location: 7q31.2.
Variant type: single nucleotide variant.
Coding change: c.2752A>G on transcript NM_000492.4 (MANE Select); coding-DNA position 2752, A replaced by G.
Protein change: p.Ile918Val; replaces isoleucine 918 with valine.
Molecular consequence: missense variant.
Genome position (GRCh38, 1-based): chr7:117,603,626, A>G. VCF-style: chr7-117603626-A-G. GRCh37 (hg19) VCF-style: chr7-117243680-A-G.
Other names: short protein forms I918V.
Identifiers: ClinVar variation 928736 (VCV000928736.1), dbSNP rs1267646551, ClinGen allele CA368986644.

ClinVar aggregate classification (germline): Uncertain significance (1 of 4 stars; one submission).

Allele frequency attached by ClinVar (database versions not stated): gnomAD exomes below 0.00001 and 0.00001.
gnomAD v4.1: 3 of 1,614,090 alleles (0.00019%); highest among the groups gnomAD compares: Non-Finnish European, 0.00025%; no homozygotes.

Submission:

Women's Health and Genetics/Laboratory Corporation of America, LabCorp
Classification: Uncertain significance. Last evaluated: 2019-09-11. Review status: criteria provided, single submitter. Criteria: LabCorp Variant Classification Summary - May 2015. Collection method: clinical testing. Allele origin: germline.
Comment: Variant summary: CFTR c.2752A>G (p.Ile918Val) results in a conservative amino acid change located in the ABC transporter type 1, transmembrane domain (IPR011527) of the encoded protein sequence. Three of five in-silico tools predict a damaging effect of the variant on protein function. The variant allele was found at a frequency of 4e-06 in 251396 control chromosomes (gnomAD). The available data on variant occurrences in the general population are insufficient to allow any conclusion about variant significance. To our knowledge, no occurrence of c.2752A>G in individuals affected with Chronic Pancreatitis Risk and no experimental evidence demonstrating its impact on protein function have been reported. No clinical diagnostic laboratories have submitted clinical-significance assessments for this variant to ClinVar after 2014. Based on the evidence outlined above, the variant was classified as uncertain significance.